The following is an entry in ClinVar:

ClinVar aggregate classification (germline): Uncertain significance. Review status: criteria provided, multiple submitters, no conflicts (2 of 4 stars). 2 submissions from 2 submitters: Uncertain significance (2). Last evaluated 2025-11-09.

Conditions:
Hereditary cancer-predisposing syndrome. Also called: Neoplastic Syndromes, Hereditary; Tumor predisposition; Hereditary neoplastic syndrome; Hereditary Cancer Syndrome. Identifiers: Orphanet 140162, MedGen C0027672, MeSH D009386, MONDO:0015356.
Fanconi anemia complementation group J. Also called: BRIP1-Related Fanconi Anemia. Identifiers: Orphanet 84, MedGen C1836860, MONDO:0012187, OMIM 609054.
Familial cancer of breast. Also called: BREAST CANCER, FAMILIAL; Hereditary breast cancer; hereditary breast carcinoma. Identifiers: Orphanet 227535, MedGen C0346153, MONDO:0016419, OMIM 114480. Disease mechanism: loss of function.

Allele frequency attached by ClinVar (database versions not stated): TOPMed below 0.00001.

Submissions (2):

Labcorp Genetics (formerly Invitae), Labcorp
Classification: Uncertain significance for Familial cancer of breast; Fanconi anemia complementation group J. Last evaluated: 2025-11-09. Review status: criteria provided, single submitter. Criteria: Invitae Variant Classification Sherloc (09022015). Collection method: clinical testing. Allele origin: germline.
Comment: This sequence change replaces glycine, which is neutral and non-polar, with glutamic acid, which is acidic and polar, at codon 239 of the BRIP1 protein (p.Gly239Glu). This variant is not present in population databases (gnomAD no frequency). This variant has not been reported in the literature in individuals affected with BRIP1-related conditions. ClinVar contains an entry for this variant (Variation ID: 1757472). Invitae Evidence Modeling of protein sequence and biophysical properties (such as structural, functional, and spatial information, amino acid conservation, physicochemical variation, residue mobility, and thermodynamic stability) indicates that this missense variant is not expected to disrupt BRIP1 protein function with a negative predictive value of 95%. In summary, the available evidence is currently insufficient to determine the role of this variant in disease. Therefore, it has been classified as a Variant of Uncertain Significance.

Ambry Genetics
Classification: Uncertain significance for Hereditary cancer-predisposing syndrome. Last evaluated: 2025-06-08. Review status: criteria provided, single submitter. Criteria: Ambry Variant Classification Scheme 2023. Collection method: clinical testing. Allele origin: germline.
Comment: The p.G239E variant (also known as c.716G>A), located in coding exon 6 of the BRIP1 gene, results from a G to A substitution at nucleotide position 716. The glycine at codon 239 is replaced by glutamic acid, an amino acid with similar properties. This amino acid position is conserved. In addition, this alteration is predicted to be tolerated by in silico analysis. Since supporting evidence is limited at this time, the clinical significance of this alteration remains unclear.

NM_032043.3(BRIP1):c.716G>A (p.Gly239Glu)

Gene: BRIP1 (BRCA1 interacting DNA helicase 1; minus strand). Cytogenetic location: 17q23.2.
Variant type: single nucleotide variant.
Coding change: c.716G>A on transcript NM_032043.3 (MANE Select); coding-DNA position 716, G replaced by A.
Protein change: p.Gly239Glu; replaces glycine 239 with glutamic acid.
Molecular consequence: missense variant.
Genome position (GRCh38, 1-based): chr17:61,808,669, C>T on the plus strand (G>A on the coding strand, the complement: BRIP1 is on the minus strand). VCF-style: chr17-61808669-C-T. GRCh37 (hg19) VCF-style: chr17-59886030-C-T.
Other names: short protein forms G239E.
Identifiers: ClinVar variation 1757472 (VCV001757472.4), dbSNP rs2078114011, ClinGen allele CA400485063.